The following is an entry in ClinVar:

NM_153026.3(PRICKLE1):c.775+35T>C

Gene: PRICKLE1 (prickle planar cell polarity protein 1; minus strand). Cytogenetic location: 12q12.
Variant type: single nucleotide variant.
Coding change: c.775+35T>C on transcript NM_153026.3 (MANE Select); 35 bases into the intron after coding-DNA position 775, T replaced by C.
Molecular consequence: intron variant.
Genome position (GRCh38, 1-based): chr12:42,466,159, A>G on the plus strand (T>C on the coding strand, the complement: PRICKLE1 is on the minus strand). VCF-style: chr12-42466159-A-G. GRCh37 (hg19) VCF-style: chr12-42859961-A-G.
Other names: c.775+35T>C (NM_001144883.2, NM_001144882.2, NM_001144881.2).
Identifiers: ClinVar variation 670810 (VCV000670810.2), dbSNP rs12230583, ClinGen allele CA6519844.

ClinVar aggregate classification (germline): Benign. Review status: criteria provided, multiple submitters, no conflicts (2 of 4 stars). 2 submissions from 2 submitters: Benign (2). Last evaluated 2018-06-14.

Allele frequency attached by ClinVar (database versions not stated): 1000 Genomes Project 30x 0.26765; 1000 Genomes Project 0.26977; TOPMed 0.32602; gnomAD 0.32915 and 0.33216; ESP Exome Variant Server 0.33123; ExAC 0.34468; gnomAD exomes 0.34711 and 0.35993.
gnomAD v4.1: 573,455 of 1,608,852 alleles (36%); highest among the groups gnomAD compares: Admixed American, 39%; 104,703 homozygotes.

Submissions (2):

GeneDx
Classification: Benign. Last evaluated: 2018-06-14. Review status: criteria provided, single submitter. Criteria: GeneDx Variant Classification (06012015). Collection method: clinical testing. Allele origin: germline. Affected: yes.
Comment: This variant is considered likely benign or benign based on one or more of the following criteria: it is a conservative change, it occurs at a poorly conserved position in the protein, it is predicted to be benign by multiple in silico algorithms, and/or has population frequency not consistent with disease.

Breakthrough Genomics
Classification: Benign. Review status: criteria provided, single submitter. Criteria: ACMG Guidelines, 2015. Collection method: not provided. Allele origin: germline. Inheritance: Autosomal recessive inheritance. Affected: yes.